The following is an entry in ClinVar:

ClinVar aggregate classification (germline): Uncertain significance (1 of 4 stars; one submission).

Conditions:
Gastrointestinal stromal tumor. Also called: Gastrointestinal stromal tumor, somatic; Gastrointestinal stroma tumor. Identifiers: Orphanet 44890, MedGen C0238198, MeSH D046152, MONDO:0011719, OMIM 606764, HP:0100723.
Pheochromocytoma. Also called: MAX-Related Hereditary Paraganglioma-Pheochromocytoma Syndrome. Identifiers: Orphanet 29072, MedGen C0031511, MONDO:0008233, OMIM 171300, HP:0002666.
Pheochromocytoma/paraganglioma syndrome 4. Also called: PARAGANGLIOMA, FAMILIAL MALIGNANT; PARAGANGLIOMAS, HEREDITARY EXTRAADRENAL; PHEOCHROMOCYTOMA, FAMILIAL EXTRAADRENAL; Paragangliomas 4; SDHB-Related Hereditary Paraganglioma-Pheochromocytoma Syndrome (Paragangliomas 4); SDHB-Related Hereditary Paraganglioma-Pheochromocytoma Syndrome. Identifiers: Orphanet 29072, MedGen C1861848, MONDO:0007273, OMIM 115310.

Submission:

Labcorp Genetics (formerly Invitae), Labcorp
Classification: Uncertain significance for Gastrointestinal stromal tumor; Pheochromocytoma/paraganglioma syndrome 4; Pheochromocytoma. Last evaluated: 2016-01-07. Review status: criteria provided, single submitter. Criteria: Invitae Variant Classification Sherloc (09022015). Collection method: clinical testing. Allele origin: germline.
Comment: In summary, this is a novel missense change that is not predicted to affect protein function or cause disease. However, the evidence is insufficient at this time to prove that conclusively. It has been classified as a Variant of Uncertain Significance. Algorithms developed to predict the effect of missense changes on protein structure and function (SIFT, PolyPhen-2, Align-GVGD) all suggest that this variant is likely to be tolerated, but these predictions have not been confirmed by published functional studies. This variant is not present in population databases (ExAC no frequency) and has not been reported in the literature in individuals with a SDHB-related disease. This sequence change replaces valine with alanine at codon 83 of the SDHB protein (p.Val83Ala). The valine residue is weakly conserved and there is a small physicochemical difference between valine and alanine.

NM_003000.3(SDHB):c.248T>C (p.Val83Ala)

Gene: SDHB (succinate dehydrogenase complex iron sulfur subunit B; minus strand). Cytogenetic location: 1p36.13.
Variant type: single nucleotide variant.
Coding change: c.248T>C on transcript NM_003000.3 (MANE Select); coding-DNA position 248, T replaced by C.
Protein change: p.Val83Ala; replaces valine 83 with alanine.
Molecular consequence: missense variant.
Genome position (GRCh38, 1-based): chr1:17,033,098, A>G on the plus strand (T>C on the coding strand, the complement: SDHB is on the minus strand). VCF-style: chr1-17033098-A-G. GRCh37 (hg19) VCF-style: chr1-17359593-A-G.
Other names: short protein forms V83A.
Identifiers: ClinVar variation 239426 (VCV000239426.5), dbSNP rs763547482, ClinGen allele CA10581749.